The following is an entry in ClinVar:

ClinVar aggregate classification (germline): Likely benign (1 of 4 stars; one submission).

Conditions:
UMOD-related disorder. Also called: UMOD-related condition.

gnomAD v4.1: 23 of 1,613,532 alleles (0.0014%); highest among the groups gnomAD compares: Non-Finnish European, 0.0019%; no homozygotes.

Submission:

PreventionGenetics, part of Exact Sciences
Classification: Likely benign for UMOD-related condition. Last evaluated: 2026-09-02. Review status: criteria provided, single submitter. Criteria: ACMG Guidelines, 2015. Collection method: clinical testing. Allele origin: germline.
Comment: This variant is classified as likely benign based on ACMG/AMP sequence variant interpretation guidelines (Richards et al. 2015 PMID: 25741868, with internal and published modifications).

NM_003361.4(UMOD):c.1822+7G>A

Gene: UMOD (uromodulin; minus strand). Cytogenetic location: 16p12.3.
Variant type: single nucleotide variant.
Coding change: c.1822+7G>A on transcript NM_003361.4 (MANE Select); 7 bases into the intron after coding-DNA position 1822, G replaced by A.
Molecular consequence: intron variant.
Genome position (GRCh38, 1-based): chr16:20,336,639, C>T on the plus strand (G>A on the coding strand, the complement: UMOD is on the minus strand). VCF-style: chr16-20336639-C-T. GRCh37 (hg19) VCF-style: chr16-20347961-C-T.
Other names: c.1822+7G>A (NM_001008389.3, NM_001378232.1, NM_001378233.1); c.1963+7G>A (NM_001378234.1, NM_001378235.1); c.1921+7G>A (NM_001278614.2).
Identifiers: ClinVar variation 4989003 (VCV004989003.1).